The following is an entry in ClinVar:

ClinVar aggregate classification (germline): Uncertain significance. Review status: criteria provided, multiple submitters, no conflicts (2 of 4 stars). 2 submissions from 2 submitters: Uncertain significance (2). Last evaluated 2024-01-23.

Conditions:
Inborn genetic diseases. Identifiers: MedGen C0950123, MeSH D030342.

Allele frequency attached by ClinVar (database versions not stated): ExAC 0.00001; 1000 Genomes Project 30x 0.00016; 1000 Genomes Project 0.00020.
gnomAD v4.1: 18 of 1,614,018 alleles (0.0011%); highest among the groups gnomAD compares: African/African-American, 0.0027%; no homozygotes.

Submissions (2):

Ambry Genetics
Classification: Uncertain significance for Inborn genetic diseases. Last evaluated: 2024-01-23. Review status: criteria provided, single submitter. Criteria: Ambry Variant Classification Scheme 2023. Collection method: clinical testing. Allele origin: germline.

Labcorp Genetics (formerly Invitae), Labcorp
Classification: Uncertain significance. Last evaluated: 2022-08-05. Review status: criteria provided, single submitter. Criteria: Invitae Variant Classification Sherloc (09022015). Collection method: clinical testing. Allele origin: germline.
Comment: This sequence change replaces threonine, which is neutral and polar, with alanine, which is neutral and non-polar, at codon 537 of the IMPG2 protein (p.Thr537Ala). The frequency data for this variant in the population databases is considered unreliable, as metrics indicate poor data quality at this position in the gnomAD database. This variant has not been reported in the literature in individuals affected with IMPG2-related conditions. Algorithms developed to predict the effect of missense changes on protein structure and function (SIFT, PolyPhen-2, Align-GVGD) all suggest that this variant is likely to be tolerated. In summary, the available evidence is currently insufficient to determine the role of this variant in disease. Therefore, it has been classified as a Variant of Uncertain Significance.

NM_016247.4(IMPG2):c.1609A>G (p.Thr537Ala)

Gene: IMPG2 (interphotoreceptor matrix proteoglycan 2; minus strand). Cytogenetic location: 3q12.3.
Variant type: single nucleotide variant.
Coding change: c.1609A>G on transcript NM_016247.4 (MANE Select); coding-DNA position 1609, A replaced by G.
Protein change: p.Thr537Ala; replaces threonine 537 with alanine.
Molecular consequence: missense variant.
Genome position (GRCh38, 1-based): chr3:101,244,722, T>C on the plus strand (A>G on the coding strand, the complement: IMPG2 is on the minus strand). VCF-style: chr3-101244722-T-C. GRCh37 (hg19) VCF-style: chr3-100963566-T-C.
Other names: c.1609A>G (NM_016247.3); short protein forms T537A.
Identifiers: ClinVar variation 1950647 (VCV001950647.3), dbSNP rs148472093, ClinGen allele CA2519122.
Genomic context (GRCh38, chr3:101,244,722, plus strand): 5'-ATGTTAAGGACACATCAGAGTCTTCCATGGATGGTATTGTTTCTTTTGGCACAGGTTGAG[T>C]GAATGAACTTGAAGGCAATGAATCAATAGAAAGAAAATCTTCTGACTCTTCAACATTGGC-3'
Protein context (NP_057331.2, residues 527-547): SIDSLPSSSF[Thr537Ala]QPVPKETIPS